The following is an entry in ClinVar:

NM_002769.5(PRSS1):c.538A>G (p.Thr180Ala)

Genes: PRSS1 (serine protease 1; plus strand), TRB (T cell receptor beta locus; plus strand). Cytogenetic location: 7q34.
Variant type: single nucleotide variant.
Coding change: c.538A>G on transcript NM_002769.5 (MANE Select); coding-DNA position 538, A replaced by G.
Protein change: p.Thr180Ala; replaces threonine 180 with alanine.
Molecular consequence: missense variant. On other transcripts: non-coding transcript variant (5).
Genome position (GRCh38, 1-based): chr7:142,752,514, A>G. VCF-style: chr7-142752514-A-G. GRCh37 (hg19) VCF-style: chr7-142460365-A-G.
Other names: short protein forms T180A.
Identifiers: ClinVar variation 3426334 (VCV003426334.1).

ClinVar aggregate classification (germline): Uncertain significance (1 of 4 stars; one submission).

Conditions:
Hereditary pancreatitis (PCTT). Also called: Hereditary chronic pancreatitis; PRSS1-Related Hereditary Pancreatitis. Identifiers: Orphanet 676, MedGen C0238339, MONDO:0008185, OMIM 167800.

Submission:

Ambry Genetics
Classification: Uncertain significance for Hereditary pancreatitis. Last evaluated: 2024-10-12. Review status: criteria provided, single submitter. Criteria: Ambry Variant Classification Scheme 2023. Collection method: clinical testing. Allele origin: germline.
Comment: The p.T180A variant (also known as c.538A>G), located in coding exon 4 of the PRSS1 gene, results from an A to G substitution at nucleotide position 538. The threonine at codon 180 is replaced by alanine, an amino acid with similar properties. This amino acid position is conserved. In addition, the in silico prediction for this alteration is inconclusive. Based on the available evidence, the clinical significance of this variant remains unclear.